The following is an entry in ClinVar:

ClinVar aggregate classification (germline): Uncertain significance (0 of 4 stars; one submission).

Conditions:
GEMIN5-related disorder. Also called: GEMIN5-Related Disorders; GEMIN5-related condition.

Allele frequency attached by ClinVar (database versions not stated): TOPMed below 0.00001; gnomAD 0.00001; ExAC 0.00002.
gnomAD v4.1: 3 of 1,613,626 alleles (0.00019%); highest among the groups gnomAD compares: Non-Finnish European, 0.00025%; no homozygotes.

Submission:

PreventionGenetics, part of Exact Sciences
Classification: Uncertain significance for GEMIN5-related condition. Last evaluated: 2023-10-27. Review status: no assertion criteria provided. Collection method: clinical testing. Allele origin: germline.
Comment: The GEMIN5 c.1135G>C variant is predicted to result in the amino acid substitution p.Gly379Arg. To our knowledge, this variant has not been reported in the literature. This variant is reported in 0.00088% of alleles in individuals of European (Non-Finnish) descent in gnomAD. At this time, the clinical significance of this variant is uncertain due to the absence of conclusive functional and genetic evidence.

NM_015465.5(GEMIN5):c.1135G>C (p.Gly379Arg)

Gene: GEMIN5 (gem nuclear organelle associated protein 5; minus strand). Cytogenetic location: 5q33.2.
Variant type: single nucleotide variant.
Coding change: c.1135G>C on transcript NM_015465.5 (MANE Select); coding-DNA position 1135, G replaced by C.
Protein change: p.Gly379Arg; replaces glycine 379 with arginine.
Molecular consequence: missense variant.
Genome position (GRCh38, 1-based): chr5:154,926,020, C>G on the plus strand (G>C on the coding strand, the complement: GEMIN5 is on the minus strand). VCF-style: chr5-154926020-C-G. GRCh37 (hg19) VCF-style: chr5-154305580-C-G.
Other names: c.1132G>C, p.Gly378Arg (NM_001252156.2); short protein forms G378R, G379R.
Identifiers: ClinVar variation 3048972 (VCV003048972.2), dbSNP rs778058133, ClinGen allele CA3529120.